The following is an entry in ClinVar:

ClinVar aggregate classification (germline): Likely benign (0 of 4 stars; one submission).

Conditions:
VARS1-related disorder. Also called: VARS1-related condition.

Allele frequency attached by ClinVar (database versions not stated): gnomAD 0.00001; TOPMed 0.00002; ExAC 0.00005; 1000 Genomes Project 30x 0.00016; 1000 Genomes Project 0.00020.
gnomAD v4.1: 22 of 1,595,972 alleles (0.0014%); highest among the groups gnomAD compares: Admixed American, 0.024%; no homozygotes.

Submission:

PreventionGenetics, part of Exact Sciences
Classification: Likely benign for VARS1-related condition. Last evaluated: 2019-10-28. Review status: no assertion criteria provided. Collection method: clinical testing. Allele origin: germline.
Comment: This variant is classified as likely benign based on ACMG/AMP sequence variant interpretation guidelines (Richards et al. 2015 PMID: 25741868, with internal and published modifications).

NM_006295.3(VARS1):c.891C>T (p.Pro297=)

Gene: VARS1 (valyl-tRNA synthetase 1; minus strand). Cytogenetic location: 6p21.33.
Variant type: single nucleotide variant.
Coding change: c.891C>T on transcript NM_006295.3 (MANE Select); coding-DNA position 891, C replaced by T.
Protein change: p.Pro297=; no amino-acid change (proline 297 retained).
Molecular consequence: synonymous variant.
Genome position (GRCh38, 1-based): chr6:31,791,952, G>A on the plus strand (C>T on the coding strand, the complement: VARS1 is on the minus strand). VCF-style: chr6-31791952-G-A. GRCh37 (hg19) VCF-style: chr6-31759729-G-A.
Identifiers: ClinVar variation 3046213 (VCV003046213.2), dbSNP rs577647216, ClinGen allele CA3723437.
Genomic context (GRCh38, chr6:31,791,952, plus strand): 5'-GCCCTGCTGCTCCCACCAAGGGTACCAGGCAGCCTCCACATACCGAGGGCTGTAGGAGTC[G>A]GGCATGGGGCCACTGACATCTGGGGGAGAGGAAGGGAGGGCTCAGTGCCGTGGCTGGGAG-3'
Protein context (NP_006286.1, residues 287-307): GEKKDVSGPM[Pro297=]DSYSPRYVEA